The following is an entry in ClinVar:

NM_018979.4(WNK1):c.2039A>G (p.Gln680Arg)

Gene: WNK1 (WNK lysine deficient protein kinase 1; plus strand). Cytogenetic location: 12p13.33.
Variant type: single nucleotide variant.
Coding change: c.2039A>G on transcript NM_018979.4 (MANE Select); coding-DNA position 2039, A replaced by G.
Protein change: p.Gln680Arg; replaces glutamine 680 with arginine.
Molecular consequence: missense variant.
Genome position (GRCh38, 1-based): chr12:862,170, A>G. VCF-style: chr12-862170-A-G. GRCh37 (hg19) VCF-style: chr12-971336-A-G.
Other names: c.2039A>G, p.Gln680Arg (NM_001184985.2, NM_014823.3, NM_213655.5); short protein forms Q680R.
Identifiers: ClinVar variation 4789463 (VCV004789463.1).

ClinVar aggregate classification (germline): Uncertain significance (1 of 4 stars; one submission).

Conditions:
Neuropathy, hereditary sensory and autonomic, type 2A (HSAN2A). Also called: WNK1-Related HSAN2 (HSAN2A); ACROOSTEOLYSIS, GIACCAI TYPE; ACROOSTEOLYSIS, NEUROGENIC; MORVAN DISEASE; NEUROPATHY, CONGENITAL SENSORY; NEUROPATHY, HEREDITARY SENSORY RADICULAR, AUTOSOMAL RECESSIVE. Identifiers: Orphanet 970, MedGen C2752089, MONDO:0024309, OMIM 201300.
Pseudohypoaldosteronism type 2C (PHA2C). Also called: Pseudohypoaldosteronism Type IIC. Identifiers: Orphanet 757, Orphanet 88940, MedGen C1840391, MONDO:0013778, OMIM 614492.

Submission:

Labcorp Genetics (formerly Invitae), Labcorp
Classification: Uncertain significance for Neuropathy, hereditary sensory and autonomic, type 2A; Pseudohypoaldosteronism type 2C. Last evaluated: 2025-05-27. Review status: criteria provided, single submitter. Criteria: Invitae Variant Classification Sherloc (09022015). Collection method: clinical testing. Allele origin: germline.
Comment: This sequence change replaces glutamine, which is neutral and polar, with arginine, which is basic and polar, at codon 680 of the WNK1 protein (p.Gln680Arg). This variant is not present in population databases (gnomAD no frequency). This variant has not been reported in the literature in individuals affected with WNK1-related conditions. Invitae Evidence Modeling of protein sequence and biophysical properties (such as structural, functional, and spatial information, amino acid conservation, physicochemical variation, residue mobility, and thermodynamic stability) indicates that this missense variant is not expected to disrupt WNK1 protein function with a negative predictive value of 95%. In summary, the available evidence is currently insufficient to determine the role of this variant in disease. Therefore, it has been classified as a Variant of Uncertain Significance.